The following is an entry in ClinVar:

NM_000368.5(TSC1):c.48C>A (p.Ser16=)

Gene: TSC1 (TSC complex subunit 1; minus strand). Cytogenetic location: 9q34.13.
Variant type: single nucleotide variant.
Coding change: c.48C>A on transcript NM_000368.5 (MANE Select); coding-DNA position 48, C replaced by A.
Protein change: p.Ser16=; no amino-acid change (serine 16 retained).
Molecular consequence: synonymous variant. On other transcripts: 5 prime UTR variant (16), non-coding transcript variant (5), intron variant (2).
Genome position (GRCh38, 1-based): chr9:132,928,825, G>T on the plus strand (C>A on the coding strand, the complement: TSC1 is on the minus strand). VCF-style: chr9-132928825-G-T. GRCh37 (hg19) VCF-style: chr9-135804212-G-T.
Other names: c.48C>A, p.Ser16= (NM_001406595.1, NM_001406596.1, NM_001406597.1 and 21 more transcripts); c.-304C>A (NM_001406614.1); c.-441C>A (NM_001406615.1, NM_001406623.1); c.-408C>A (NM_001406616.1, NM_001406624.1); c.-212C>A (NM_001406617.1, NM_001406619.1, NM_001406621.1 and 3 more transcripts); c.-830C>A (NM_001406626.1, NM_001406627.1, NM_001406628.1); c.-972C>A (NM_001406629.1); c.-1046C>A (NM_001406630.1); and 1 more.
Identifiers: ClinVar variation 4071017 (VCV004071017.2).

ClinVar aggregate classification (germline): Benign/Likely benign. Review status: criteria provided, multiple submitters, no conflicts (2 of 4 stars). 2 submissions from 2 submitters: Benign (1); Likely benign (1). Last evaluated 2025-04-30.

Conditions:
Tuberous sclerosis 1 (TSC1). Identifiers: Orphanet 805, MedGen C1854465, MONDO:0008612, OMIM 191100.

gnomAD v4.1: 1 of 1,614,202 alleles (0.000062%); highest among the groups gnomAD compares: Non-Finnish European, 0.000085%; no homozygotes.

Submissions (2):

Labcorp Genetics (formerly Invitae), Labcorp
Classification: Likely benign for Tuberous sclerosis 1. Last evaluated: 2025-04-30. Review status: criteria provided, single submitter. Criteria: Invitae Variant Classification Sherloc (09022015). Collection method: clinical testing. Allele origin: germline.

Myriad Genetics, Inc.
Classification: Benign for Tuberous sclerosis 1. Last evaluated: 2025-04-07. Review status: criteria provided, single submitter. Criteria: Myriad Autosomal Dominant, Autosomal Recessive and X-Linked Classification Criteria (2023). Collection method: clinical testing. Allele origin: unknown.
Comment: This variant is considered benign. This variant is a silent/synonymous amino acid change and it is not expected to impact splicing.